The following is an entry in ClinVar:

NM_033056.4(PCDH15):c.5159G>T (p.Cys1720Phe)

Gene: PCDH15 (protocadherin related 15; minus strand). Cytogenetic location: 10q21.1.
Variant type: single nucleotide variant.
Coding change: c.5159G>T on transcript NM_033056.4 (MANE Plus Clinical); coding-DNA position 5159, G replaced by T.
Protein change: p.Cys1720Phe; replaces cysteine 1720 with phenylalanine.
Molecular consequence: missense variant. On other transcripts: intron variant (8).
Genome position (GRCh38, 1-based): chr10:53,822,567, C>A on the plus strand (G>T on the coding strand, the complement: PCDH15 is on the minus strand). VCF-style: chr10-53822567-C-A. GRCh37 (hg19) VCF-style: chr10-55582327-C-A.
Other names: c.5180G>T, p.Cys1727Phe (NM_001142763.2); c.5165G>T, p.Cys1722Phe (NM_001142764.2); c.4952G>T, p.Cys1651Phe (NM_001142765.2); c.5150G>T, p.Cys1717Phe (NM_001142766.2); c.5039G>T, p.Cys1680Phe (NM_001142767.2); c.5099G>T, p.Cys1700Phe (NM_001142768.2); c.5090G>T, p.Cys1697Phe (NM_001142773.2); c.5093G>T, p.Cys1698Phe (NM_001354404.2); and 7 more; short protein forms C1700F, C1680F, C1722F, C1651F, C1697F, C1720F, C1698F, C1717F.
Identifiers: ClinVar variation 2165884 (VCV002165884.1), dbSNP rs202082560, ClinGen allele CA5505116.

ClinVar aggregate classification (germline): Uncertain significance (1 of 4 stars; one submission).

Allele frequency attached by ClinVar (database versions not stated): gnomAD exomes 0.00001; TOPMed below 0.00001.
gnomAD v4.1: 6 of 1,613,840 alleles (0.00037%); highest among the groups gnomAD compares: South Asian, 0.0011%; no homozygotes.

Submission:

Labcorp Genetics (formerly Invitae), Labcorp
Classification: Uncertain significance. Last evaluated: 2022-07-06. Review status: criteria provided, single submitter. Criteria: Invitae Variant Classification Sherloc (09022015). Collection method: clinical testing. Allele origin: germline.
Comment: This sequence change replaces cysteine, which is neutral and slightly polar, with phenylalanine, which is neutral and non-polar, at codon 1720 of the PCDH15 protein (p.Cys1720Phe). This variant is present in population databases (rs202082560, gnomAD 0.02%). This variant has not been reported in the literature in individuals affected with PCDH15-related conditions. Algorithms developed to predict the effect of missense changes on protein structure and function are either unavailable or do not agree on the potential impact of this missense change (SIFT: "Deleterious"; PolyPhen-2: "Benign"; Align-GVGD: "Class C0"). In summary, the available evidence is currently insufficient to determine the role of this variant in disease. Therefore, it has been classified as a Variant of Uncertain Significance.